The following is an entry in ClinVar:

ClinVar aggregate classification (germline): Uncertain significance (1 of 4 stars; one submission).

Conditions:
Combined immunodeficiency due to DOCK8 deficiency (HIES2). Also called: HIES autosomal recessive; HYPER-IgE RECURRENT INFECTION SYNDROME 2, AUTOSOMAL RECESSIVE; DOCK8 Deficiency; HYPER-IgE SYNDROME 2, AUTOSOMAL RECESSIVE, WITH RECURRENT INFECTIONS; Hyper-IgE recurrent infection syndrome, autosomal recessive. Identifiers: Orphanet 217390, MedGen C4722305, MONDO:0009478, OMIM 243700.

Submission:

Labcorp Genetics (formerly Invitae), Labcorp
Classification: Uncertain significance for Combined immunodeficiency due to DOCK8 deficiency. Last evaluated: 2023-07-07. Review status: criteria provided, single submitter. Criteria: Invitae Variant Classification Sherloc (09022015). Collection method: clinical testing. Allele origin: germline.
Comment: This sequence change replaces lysine, which is basic and polar, with asparagine, which is neutral and polar, at codon 894 of the DOCK8 protein (p.Lys894Asn). This variant is not present in population databases (gnomAD no frequency). This variant has not been reported in the literature in individuals affected with DOCK8-related conditions. Advanced modeling of protein sequence and biophysical properties (such as structural, functional, and spatial information, amino acid conservation, physicochemical variation, residue mobility, and thermodynamic stability) performed at Invitae indicates that this missense variant is not expected to disrupt DOCK8 protein function. In summary, the available evidence is currently insufficient to determine the role of this variant in disease. Therefore, it has been classified as a Variant of Uncertain Significance.

NM_203447.4(DOCK8):c.2682G>C (p.Lys894Asn)

Gene: DOCK8 (dedicator of cytokinesis 8; plus strand). Cytogenetic location: 9p24.3.
Variant type: single nucleotide variant.
Coding change: c.2682G>C on transcript NM_203447.4 (MANE Select); coding-DNA position 2682, G replaced by C.
Protein change: p.Lys894Asn; replaces lysine 894 with asparagine.
Molecular consequence: missense variant.
Genome position (GRCh38, 1-based): chr9:382,589, G>C. VCF-style: chr9-382589-G-C. GRCh37 (hg19) VCF-style: chr9-382589-G-C.
Other names: c.2478G>C, p.Lys826Asn (NM_001190458.2, NM_001193536.2); short protein forms K894N, K826N.
Identifiers: ClinVar variation 2736505 (VCV002736505.3), dbSNP rs2538389035, ClinGen allele CA372765280.